The following is an entry in ClinVar:

NM_005188.4(CBL):c.1228-10dup

Gene: CBL (Cbl proto-oncogene; plus strand). Cytogenetic location: 11q23.3.
Variant type: Duplication.
Coding change: c.1228-10dup on transcript NM_005188.4 (MANE Select); 10 bases into the intron before coding-DNA position 1228, one base duplicated (T; older notation c.1228-10dupT).
Genome position (GRCh38, 1-based): chr11:119,278,500, T duplicated; the last of 2 consecutive T bases (chr11:119,278,499-119,278,500); duplicating either gives the same sequence. VCF-style (leftmost placement, unchanged base first): chr11-119278498-C-CT. GRCh37 (hg19) VCF-style: chr11-119149208-C-CT.
Other names: c.1228-10dupT (NM_005188.3).
Identifiers: ClinVar variation 45199 (VCV000045199.19), dbSNP rs397517078, ClinGen allele CA135699.
Genomic context (GRCh38, chr11:119,278,498, plus strand): 5'-TGTATTTTCTAGTAGATTAATATTTTAAGTATTTTCAGATGCATCTGTTACTATCTTTTG[C>CT]TTCTTCTGCAGGAATCAGAAGGTCAGGGCTGTCCTTTCTGCCGATGTGAAATTAAAGGTA-3'

ClinVar aggregate classification (germline): Benign/Likely benign. Review status: criteria provided, multiple submitters, no conflicts (2 of 4 stars). 5 submissions from 5 submitters: Benign (2); Likely benign (3). Last evaluated 2026-09-16.

Conditions:
Myeloproliferative neoplasm. Identifiers: Orphanet 98274, MedGen C1292778, MONDO:0020076.
RASopathy. Also called: rasopathies; Noonan spectrum disorder. Identifiers: Orphanet 536391, MedGen C5555857, MONDO:0021060.

Submissions (5):

Dept of Medical Biology, Uskudar University
Classification: Likely benign for Myeloproliferative neoplasm. Last evaluated: 2026-09-16. Review status: criteria provided, single submitter. Criteria: Dept of Medical Biology Variant Classification. Collection method: research. Allele origin: germline. Affected: yes. Observed: 1 variant allele.
Comment: BS1: allele frequency 5.9e-03 in the East Asian population and 2.6e-04 overall in gnomAD v4.1. BP4: no predicted splicing effect (SpliceAI maximum delta score 0.00). BP6: classified as benign or likely benign in ClinVar (VCV000045199). BS1 was applied at full strength where the gnomAD v4.1 grpmax filtering allele frequency exceeds 2.5e-04 (PMID:28518168) and at supporting strength where only the unfiltered population frequency does. Classified as likely benign under the ACMG/AMP 2015 guidelines (PMID:25741868). Detected in a retrospective series of 256 BCR::ABL1-negative and JAK2 V617F-negative patients referred for molecular investigation of a suspected myeloproliferative neoplasm (May 2007 to January 2015) and re-interpreted under the ACMG/AMP 2015 criteria.

Labcorp Genetics (formerly Invitae), Labcorp
Classification: Benign for RASopathy. Last evaluated: 2026-01-26. Review status: criteria provided, single submitter. Criteria: Invitae Variant Classification Sherloc (09022015). Collection method: clinical testing. Allele origin: germline.

Blueprint Genetics
Classification: Likely benign. Last evaluated: 2024-11-21. Review status: criteria provided, single submitter. Criteria: ACMG Guidelines, 2015. Collection method: clinical testing. Allele origin: germline.

Women's Health and Genetics/Laboratory Corporation of America, LabCorp
Classification: Benign. Last evaluated: 2019-10-22. Review status: criteria provided, single submitter. Criteria: LabCorp Variant Classification Summary - May 2015. Collection method: clinical testing. Allele origin: germline.
Comment: Variant summary: CBL c.1228-10dupT alters a conserved nucleotide located close to a canonical splice site and therefore could affect mRNA splicing, leading to a significantly altered protein sequence. 4/4 computational tools predict no significant impact on normal splicing. However, these predictions have yet to be confirmed by functional studies. The variant allele was found at a frequency of 0.00095 in 251332 control chromosomes, predominantly at a frequency of 0.008 within the East Asian subpopulation in the gnomAD database. The observed variant frequency within East Asian control individuals in the gnomAD database is approximately 3200 fold of the estimated maximal expected allele frequency for a pathogenic variant in CBL causing Noonan Syndrome and Related Conditions phenotype (2.5e-06), strongly suggesting that the variant is a benign polymorphism found primarily in populations of East Asian origin. To our knowledge, no occurrence of c.1228-10dupT in individuals affected with Noonan Syndrome and Related Conditions and no experimental evidence demonstrating its impact on protein function have been reported. Co-occurrence with a pathogenic variant has been reported (NF1 c.2540T>C, p.L847P), providing supporting evidence for a benign role. One clinical diagnostic laboratory has submitted clinical-significance assessments for this variant to ClinVar after 2014 without evidence for independent evaluation and classified the variant as likely benign. Based on the evidence outlined above, the variant was classified as benign.

Laboratory for Molecular Medicine, Mass General Brigham Personalized Medicine
Classification: Likely benign. Last evaluated: 2012-06-14. Review status: criteria provided, single submitter. Criteria: LMM Criteria. Collection method: clinical testing. Allele origin: germline. Observed: 2 variant alleles.
Comment: 1228-10_1228-9insT in intron 8 of CBL: This variant is not expected to have clin ical significance because it is not located within the splice consensus sequence .

Literature cited by the submitters: PubMed 20951944 (cited by Women's Health and Genetics/Laboratory Corporation of America, LabCorp); PubMed 19620960 (cited by Women's Health and Genetics/Laboratory Corporation of America, LabCorp); PubMed 29296819 (cited by Women's Health and Genetics/Laboratory Corporation of America, LabCorp); PubMed 27069254 (cited by Women's Health and Genetics/Laboratory Corporation of America, LabCorp).